The following is an entry in ClinVar:

NM_000051.4(ATM):c.6404T>G (p.Leu2135Arg)

Genes: ATM (ATM serine/threonine kinase; plus strand), C11orf65 (chromosome 11 open reading frame 65; minus strand). Cytogenetic location: 11q22.3.
Variant type: single nucleotide variant.
Coding change: c.6404T>G on transcript NM_000051.4 (MANE Select); coding-DNA position 6404, T replaced by G.
Protein change: p.Leu2135Arg; replaces leucine 2135 with arginine.
Molecular consequence: missense variant. On other transcripts: intron variant (2).
Genome position (GRCh38, 1-based): chr11:108,320,010, T>G. VCF-style: chr11-108320010-T-G. GRCh37 (hg19) VCF-style: chr11-108190737-T-G.
Other names: c.6404T>G, p.Leu2135Arg (NM_001351834.2); c.641-10939A>C (NM_001330368.2); c.*39-10939A>C (NM_001351110.2); short protein forms L2135R.
Identifiers: ClinVar variation 4866311 (VCV004866311.1).

ClinVar aggregate classification (germline): Uncertain significance (1 of 4 stars; one submission).

Conditions:
Hereditary cancer-predisposing syndrome. Also called: Tumor predisposition; Hereditary neoplastic syndrome; Hereditary Cancer Syndrome; Neoplastic Syndromes, Hereditary. Identifiers: Orphanet 140162, MedGen C0027672, MeSH D009386, MONDO:0015356.

Submission:

Ambry Genetics
Classification: Uncertain significance for Hereditary cancer-predisposing syndrome. Last evaluated: 2026-04-15. Review status: criteria provided, single submitter. Criteria: Ambry Variant Classification Scheme 2023. Collection method: clinical testing. Allele origin: germline.
Comment: The p.L2135R variant (also known as c.6404T>G), located in coding exon 43 of the ATM gene, results from a T to G substitution at nucleotide position 6404. The leucine at codon 2135 is replaced by arginine, an amino acid with dissimilar properties. This amino acid position is conserved. In addition, this alteration is predicted to be deleterious by in silico analysis. Based on the available evidence, the clinical significance of this variant remains unclear.